The following is an entry in ClinVar:

NM_000492.4(CFTR):c.2863T>G (p.Ser955Ala)

Gene: CFTR (CF transmembrane conductance regulator; plus strand). Cytogenetic location: 7q31.2.
Variant type: single nucleotide variant.
Coding change: c.2863T>G on transcript NM_000492.4 (MANE Select); coding-DNA position 2863, T replaced by G.
Protein change: p.Ser955Ala; replaces serine 955 with alanine.
Molecular consequence: missense variant.
Genome position (GRCh38, 1-based): chr7:117,603,737, T>G. VCF-style: chr7-117603737-T-G. GRCh37 (hg19) VCF-style: chr7-117243791-T-G.
Other names: short protein forms S955A.
Identifiers: ClinVar variation 821923 (VCV000821923.4), dbSNP rs1584817978, ClinGen allele CA368987390.

ClinVar aggregate classification (germline): Uncertain significance (1 of 4 stars; one submission).

Conditions:
Cystic fibrosis (CF). Also called: MUCOVISCIDOSIS. Identifiers: Orphanet 586, MedGen C0010674, MONDO:0009061, OMIM 219700. Disease mechanism: loss of function.

Submission:

Ambry Genetics
Classification: Uncertain significance for Cystic fibrosis. Last evaluated: 2019-01-08. Review status: criteria provided, single submitter. Criteria: Ambry Variant Classification Scheme 2023. Collection method: clinical testing. Allele origin: germline.
Comment: The p.S955A variant (also known as c.2863T>G), located in coding exon 17 of the CFTR gene, results from a T to G substitution at nucleotide position 2863. The serine at codon 955 is replaced by alanine, an amino acid with similar properties. In one study, authors used a sulfhydryl-specific cross-linking strategy to show that this alteration promoted CFTR channel opening by ATP followed by curcumin (Wang G. J. Biol. Chem., 2011 Jan;286:2171-82).This amino acid position is not well conserved in available vertebrate species. In addition, the in silico prediction for this alteration is inconclusive. Since supporting evidence is limited at this time, the clinical significance of this alteration remains unclear.

Literature cited by the submitters: PubMed 21059651.